The following is an entry in ClinVar:

ClinVar aggregate classification (germline): Uncertain significance. Review status: criteria provided, multiple submitters, no conflicts (2 of 4 stars). 2 submissions from 2 submitters: Uncertain significance (2). Last evaluated 2025-07-03.

Conditions:
Duchenne muscular dystrophy (DMD). Also called: MUSCULAR DYSTROPHY, PSEUDOHYPERTROPHIC PROGRESSIVE, DUCHENNE TYPE; Duchenne Muscular Dystrophy (DMD). Identifiers: Orphanet 98896, MedGen C0013264, MONDO:0010679, OMIM 310200.

gnomAD v4.1: 2 of 1,208,037 alleles (0.00017%); highest among the groups gnomAD compares: Admixed American, 0.0044%; no homozygotes.

Submissions (2):

Women's Health and Genetics/Laboratory Corporation of America, LabCorp
Classification: Uncertain significance. Last evaluated: 2025-07-03. Review status: criteria provided, single submitter. Criteria: LabCorp Variant Classification Summary - May 2015. Collection method: clinical testing. Allele origin: germline.

Labcorp Genetics (formerly Invitae), Labcorp
Classification: Uncertain significance for Duchenne muscular dystrophy. Last evaluated: 2025-05-14. Review status: criteria provided, single submitter. Criteria: Invitae Variant Classification Sherloc (09022015). Collection method: clinical testing. Allele origin: germline.
Comment: This sequence change falls in intron 34 of the DMD gene. It does not directly change the encoded amino acid sequence of the DMD protein. It affects a nucleotide within the consensus splice site. This variant is present in population databases (no rsID available, gnomAD 0.004%). This variant has not been reported in the literature in individuals affected with DMD-related conditions. ClinVar contains an entry for this variant (Variation ID: 3656970). Variants that disrupt the consensus splice site are a relatively common cause of aberrant splicing (PMID: 17576681, 9536098). Algorithms developed to predict the effect of sequence changes on RNA splicing suggest that this variant may disrupt the consensus splice site. In summary, the available evidence is currently insufficient to determine the role of this variant in disease. Therefore, it has been classified as a Variant of Uncertain Significance.

Literature cited by the submitters: PubMed 17576681 (cited by Labcorp Genetics (formerly Invitae), Labcorp); PubMed 9536098 (cited by Labcorp Genetics (formerly Invitae), Labcorp).

NM_004006.3(DMD):c.4845+3A>G

Gene: DMD (dystrophin; minus strand). Cytogenetic location: Xp21.1.
Variant type: single nucleotide variant.
Coding change: c.4845+3A>G on transcript NM_004006.3 (MANE Select); 3 bases into the intron after coding-DNA position 4845, A replaced by G.
Molecular consequence: intron variant.
Genome position (GRCh38, 1-based): chrX:32,380,507, T>C on the plus strand (A>G on the coding strand, the complement: DMD is on the minus strand). VCF-style: chrX-32380507-T-C. GRCh37 (hg19) VCF-style: chrX-32398624-T-C.
Other names: c.4821+3A>G (NM_000109.4); c.822+3A>G (NM_004011.4); c.813+3A>G (NM_004012.4); c.4833+3A>G (NM_004009.3); c.4476+3A>G (NM_004010.3).
Identifiers: ClinVar variation 3656970 (VCV003656970.4).
Genomic context (GRCh38, chrX:32,380,507, plus strand): 5'-TACAAAATCATATTATGTGTTTTCACGTATGTTCAAAATAACCTTCAGTGATATAGGTTT[T>C]ACCTTTCCCCAGGCAACTTCAGAATCCAAATTACTAGGCATTCCTTCAACTGCTGATCTC-3'